The following is an entry in ClinVar:

ClinVar aggregate classification (germline): Uncertain significance (1 of 4 stars; one submission).

Conditions:
Immunodeficiency 14 (IMD14A). Also called: p110-DELTA-ACTIVATING MUTATION CAUSING SENESCENT T CELLS, LYMPHADENOPATHY, AND IMMUNODEFICIENCY; IMMUNODEFICIENCY 14A WITH LYMPHOPROLIFERATION, AUTOSOMAL DOMINANT; ACTIVATED PI3K-DELTA SYNDROME 1; Activated PI3K Delta Syndrome Type 1 (APDS1). Identifiers: Orphanet 397596, Orphanet 693661, MedGen C5907821, MONDO:0014222, OMIM 615513.

Submission:

Labcorp Genetics (formerly Invitae), Labcorp
Classification: Uncertain significance for Activated PI3K-delta syndrome. Last evaluated: 2018-12-22. Review status: criteria provided, single submitter. Criteria: Invitae Variant Classification Sherloc (09022015). Collection method: clinical testing. Allele origin: germline.
Comment: In summary, the available evidence is currently insufficient to determine the role of this variant in disease. Therefore, it has been classified as a Variant of Uncertain Significance. Algorithms developed to predict the effect of missense changes on protein structure and function (SIFT, PolyPhen-2, Align-GVGD) all suggest that this variant is likely to be tolerated, but these predictions have not been confirmed by published functional studies and their clinical significance is uncertain. This variant has not been reported in the literature in individuals with PIK3CD-related conditions. This variant is not present in population databases (ExAC no frequency). This sequence change replaces histidine with tyrosine at codon 267 of the PIK3CD protein (p.His267Tyr). The histidine residue is moderately conserved and there is a moderate physicochemical difference between histidine and tyrosine.

NM_005026.5(PIK3CD):c.799C>T (p.His267Tyr)

Gene: PIK3CD (phosphatidylinositol-4,5-bisphosphate 3-kinase catalytic subunit delta; plus strand). Cytogenetic location: 1p36.22.
Variant type: single nucleotide variant.
Coding change: c.799C>T on transcript NM_005026.5 (MANE Select); coding-DNA position 799, C replaced by T.
Protein change: p.His267Tyr; replaces histidine 267 with tyrosine.
Molecular consequence: missense variant. On other transcripts: intron variant (1).
Genome position (GRCh38, 1-based): chr1:9,716,977, C>T. VCF-style: chr1-9716977-C-T. GRCh37 (hg19) VCF-style: chr1-9777035-C-T.
Other names: c.799C>T (LRG_191t1); c.799C>T, p.His267Tyr (NM_001350234.2); c.781-69C>T (NM_001350235.1); short protein forms H267Y.
Identifiers: ClinVar variation 658284 (VCV000658284.9), dbSNP rs1570363781, ClinGen allele CA338301428.
Genomic context (GRCh38, chr1:9,716,977, plus strand): 5'-TGGGGCCGCCCCACCAGCCGCTCACCCTGCACCCCGTCTCAGTACATCTGCAGCTGCCTG[C>T]ACAGTGGGTTGACCCCTCACCTGACCATGGTCCATTCCTCCTCCATCCTCGCCATGCGGG-3'
Protein context (NP_005017.3, residues 257-277): CQFQYICSCL[His267Tyr]SGLTPHLTMV